The following is an entry in ClinVar:

ClinVar aggregate classification (germline): Uncertain significance (1 of 4 stars; one submission).

Submission:

Ambry Genetics
Classification: Uncertain significance. Last evaluated: 2025-08-20. Review status: criteria provided, single submitter. Criteria: Ambry Variant Classification Scheme 2023. Collection method: clinical testing. Allele origin: germline.
Comment: The p.A1322P variant (also known as c.3964G>C), located in coding exon 14 of the CDK12 gene, results from a G to C substitution at nucleotide position 3964. The alanine at codon 1322 is replaced by proline, an amino acid with highly similar properties. This amino acid position is conserved. In addition, the in silico prediction for this alteration is inconclusive. Based on the available evidence, the clinical significance of this variant remains unclear.

NM_016507.4(CDK12):c.3964G>C (p.Ala1322Pro)

Gene: CDK12 (cyclin dependent kinase 12; plus strand). Cytogenetic location: 17q12.
Variant type: single nucleotide variant.
Coding change: c.3964G>C on transcript NM_016507.4 (MANE Select); coding-DNA position 3964, G replaced by C.
Protein change: p.Ala1322Pro; replaces alanine 1322 with proline.
Molecular consequence: missense variant.
Genome position (GRCh38, 1-based): chr17:39,530,807, G>C. VCF-style: chr17-39530807-G-C. GRCh37 (hg19) VCF-style: chr17-37687060-G-C.
Other names: c.3937G>C, p.Ala1313Pro (NM_015083.4); short protein forms A1313P, A1322P.
Identifiers: ClinVar variation 4224397 (VCV004224397.1).